The following is an entry in ClinVar:

NM_003737.4(DCHS1):c.5546A>G (p.Asn1849Ser)

Gene: DCHS1 (dachsous cadherin-related 1; minus strand). Cytogenetic location: 11p15.4.
Variant type: single nucleotide variant.
Coding change: c.5546A>G on transcript NM_003737.4 (MANE Select); coding-DNA position 5546, A replaced by G.
Protein change: p.Asn1849Ser; replaces asparagine 1849 with serine.
Molecular consequence: missense variant.
Genome position (GRCh38, 1-based): chr11:6,627,493, T>C on the plus strand (A>G on the coding strand, the complement: DCHS1 is on the minus strand). VCF-style: chr11-6627493-T-C. GRCh37 (hg19) VCF-style: chr11-6648724-T-C.
Other names: short protein forms N1849S.
Identifiers: ClinVar variation 2892764 (VCV002892764.3), dbSNP rs767295173, ClinGen allele CA5860067.

ClinVar aggregate classification (germline): Uncertain significance (1 of 4 stars; one submission).

Allele frequency attached by ClinVar (database versions not stated): ExAC 0.00001; gnomAD exomes 0.00001; TOPMed 0.00001.
gnomAD v4.1: 15 of 1,611,892 alleles (0.00093%); highest among the groups gnomAD compares: Admixed American, 0.005%; no homozygotes.

Submission:

Labcorp Genetics (formerly Invitae), Labcorp
Classification: Uncertain significance. Last evaluated: 2025-01-29. Review status: criteria provided, single submitter. Criteria: Invitae Variant Classification Sherloc (09022015). Collection method: clinical testing. Allele origin: germline.
Comment: This sequence change replaces asparagine, which is neutral and polar, with serine, which is neutral and polar, at codon 1849 of the DCHS1 protein (p.Asn1849Ser). This variant is present in population databases (rs767295173, gnomAD 0.006%). This variant has not been reported in the literature in individuals affected with DCHS1-related conditions. ClinVar contains an entry for this variant (Variation ID: 2892764). Invitae Evidence Modeling of protein sequence and biophysical properties (such as structural, functional, and spatial information, amino acid conservation, physicochemical variation, residue mobility, and thermodynamic stability) has been performed for this missense variant. However, the output from this modeling did not meet the statistical confidence thresholds required to predict the impact of this variant on DCHS1 protein function. In summary, the available evidence is currently insufficient to determine the role of this variant in disease. Therefore, it has been classified as a Variant of Uncertain Significance.